The following is an entry in ClinVar:

ClinVar aggregate classification (germline): Likely benign. Review status: criteria provided, single submitter (1 of 4 stars). 2 submissions from 2 submitters: Likely benign (1). 1 of the submissions does not count toward it. Last evaluated 2026-01-20.

Conditions:
TG-related disorder. Also called: TG-related disorders; TG-related condition.

Allele frequency attached by ClinVar (database versions not stated): gnomAD 0.00008 and 0.00009; TOPMed 0.00023; ExAC 0.00031; gnomAD exomes 0.00043.
gnomAD v4.1: 138 of 1,614,024 alleles (0.0086%); highest among the groups gnomAD compares: Admixed American, 0.22%; 2 homozygotes.

Submissions (2):

Labcorp Genetics (formerly Invitae), Labcorp
Classification: Likely benign. Last evaluated: 2026-01-20. Review status: criteria provided, single submitter. Criteria: Invitae Variant Classification Sherloc (09022015). Collection method: clinical testing. Allele origin: germline.

PreventionGenetics, part of Exact Sciences
Classification: Likely benign for TG-related condition. Last evaluated: 2023-12-27. Review status: no assertion criteria provided. Collection method: clinical testing. Allele origin: germline. Not counted in ClinVar's aggregate classification.
Comment: This variant is classified as likely benign based on ACMG/AMP sequence variant interpretation guidelines (Richards et al. 2015 PMID: 25741868, with internal and published modifications).

NM_003235.5(TG):c.1021G>C (p.Ala341Pro)

Gene: TG (thyroglobulin; plus strand). Cytogenetic location: 8q24.22.
Variant type: single nucleotide variant.
Coding change: c.1021G>C on transcript NM_003235.5 (MANE Select); coding-DNA position 1021, G replaced by C.
Protein change: p.Ala341Pro; replaces alanine 341 with proline.
Molecular consequence: missense variant.
Genome position (GRCh38, 1-based): chr8:132,882,945, G>C. VCF-style: chr8-132882945-G-C. GRCh37 (hg19) VCF-style: chr8-133895190-G-C.
Other names: short protein forms A341P.
Identifiers: ClinVar variation 722249 (VCV000722249.8), dbSNP rs759789389, ClinGen allele CA4883084.
Genomic context (GRCh38, chr8:132,882,945, plus strand): 5'-CGAAATGGCGACTATCAGGCGGTGCAGTGCCAGACGGAAGGGCCCTGCTGGTGTGTGGAC[G>C]CCCAGGGGAAGGAAATGCATGGAACCCGGCAGCAAGGGGAGCCGCCATCTTGTGGTGGGT-3'
Protein context (NP_003226.4, residues 331-351): QTEGPCWCVD[Ala341Pro]QGKEMHGTRQ